The following is an entry in ClinVar:

NM_001184880.2(PCDH19):c.3196del (p.Thr1066fs)

Gene: PCDH19 (protocadherin 19; minus strand). Cytogenetic location: Xq22.1.
Variant type: Deletion.
Coding change: c.3196del on transcript NM_001184880.2 (MANE Select); coding-DNA position 3196, one base deleted (A; older notation c.3196delA).
Protein change: p.Thr1066fs; shifts the reading frame from threonine 1066.
Molecular consequence: frameshift variant.
Genome position (GRCh38, 1-based): chrX:100,296,528, T deleted on the plus strand (A on the coding strand, the reverse complement: PCDH19 is on the minus strand). VCF-style (leftmost placement, unchanged base first): chrX-100296527-GT-G. GRCh37 (hg19) VCF-style: chrX-99551525-GT-G.
Other names: c.3055del, p.Thr1019fs (NM_001105243.2); c.3052del, p.Thr1018fs (NM_020766.3); short protein forms T1018fs, T1019fs, T1066fs.
Identifiers: ClinVar variation 2062866 (VCV002062866.4), dbSNP rs2520444940, ClinGen allele CA2580100031.

ClinVar aggregate classification (germline): Pathogenic (1 of 4 stars; one submission).

Conditions:
Developmental and epileptic encephalopathy, 9 (DEE9). Also called: Early infantile epileptic encephalopathy 9; EPILEPSY, FEMALE-RESTRICTED, WITH MENTAL RETARDATION; PCDH19-Related X-Linked Female-Limited Epilepsy with Mental Retardation; JUBERG-HELLMAN SYNDROME. Identifiers: Orphanet 101039, Orphanet 2076, MedGen C1848137, MONDO:0010246, OMIM 300088. Disease mechanism: loss of function.

Submission:

Labcorp Genetics (formerly Invitae), Labcorp
Classification: Pathogenic for Developmental and epileptic encephalopathy, 9. Last evaluated: 2025-01-15. Review status: criteria provided, single submitter. Criteria: Invitae Variant Classification Sherloc (09022015). Collection method: clinical testing. Allele origin: germline.
Comment: This sequence change creates a premature translational stop signal (p.Thr1066Profs*64) in the PCDH19 gene. While this is not anticipated to result in nonsense mediated decay, it is expected to disrupt the last 83 amino acid(s) of the PCDH19 protein. This variant is not present in population databases (gnomAD no frequency). This variant has not been reported in the literature in individuals affected with PCDH19-related conditions. ClinVar contains an entry for this variant (Variation ID: 2062866). Experimental studies and prediction algorithms are not available or were not evaluated, and the functional significance of this variant is currently unknown. This variant disrupts a region of the PCDH19 protein in which other variant(s) (p.Tyr1083Serfs*47) have been determined to be pathogenic (internal data). This suggests that this is a clinically significant region of the protein, and that variants that disrupt it are likely to be disease-causing. For these reasons, this variant has been classified as Pathogenic.